The following is an entry in ClinVar:

ClinVar aggregate classification (germline): Uncertain significance (1 of 4 stars; one submission).

gnomAD v4.1: 7 of 1,613,570 alleles (0.00043%); highest among the groups gnomAD compares: Admixed American, 0.0017%; no homozygotes.

Submission:

Dasa
Classification: Uncertain significance. Last evaluated: 2025-09-03. Review status: criteria provided, single submitter. Criteria: DASA Assertion Criteria. Collection method: clinical testing. Allele origin: germline.
Comment: NM_001282534.2(KCNK9):c.793G>T (p.Ala265Ser) is a missense variant that results in the substitution of alanine with serine. This variant is rare in population databases. Computational prediction algorithms are consistent with a benign effect. The currently available literature and clinical evidence are not sufficient to establish a definitive association between this variant and the reported condition. Therefore, this variant is classified as a variant of uncertain significance.

NM_001282534.2(KCNK9):c.793G>T (p.Ala265Ser)

Gene: KCNK9 (potassium two pore domain channel subfamily K member 9; minus strand). Cytogenetic location: 8q24.3.
Variant type: single nucleotide variant.
Coding change: c.793G>T on transcript NM_001282534.2 (MANE Select); coding-DNA position 793, G replaced by T.
Protein change: p.Ala265Ser; replaces alanine 265 with serine.
Molecular consequence: missense variant. On other transcripts: non-coding transcript variant (1).
Genome position (GRCh38, 1-based): chr8:139,618,590, C>A on the plus strand (G>T on the coding strand, the complement: KCNK9 is on the minus strand). VCF-style: chr8-139618590-C-A. GRCh37 (hg19) VCF-style: chr8-140630833-C-A.
Other names: short protein forms A265S.
Identifiers: ClinVar variation 4881396 (VCV004881396.2).